The following is an entry in ClinVar:

NM_005188.4(CBL):c.2190G>C (p.Thr730=)

Gene: CBL (Cbl proto-oncogene; plus strand). Cytogenetic location: 11q23.3.
Variant type: single nucleotide variant.
Coding change: c.2190G>C on transcript NM_005188.4 (MANE Select); coding-DNA position 2190, G replaced by C.
Protein change: p.Thr730=; no amino-acid change (threonine 730 retained).
Molecular consequence: synonymous variant.
Genome position (GRCh38, 1-based): chr11:119,297,420, G>C. VCF-style: chr11-119297420-G-C. GRCh37 (hg19) VCF-style: chr11-119168130-G-C.
Other names: p.T730T:ACG>ACC.
Identifiers: ClinVar variation 136665 (VCV000136665.68), dbSNP rs143840974, ClinGen allele CA289968.
Genomic context (GRCh38, chr11:119,297,420, plus strand): 5'-TATGGCACTTTCCTTCTGGTTCAGAGCATGTGATTGCGACCAGCAGATTGATAGCTGTAC[G>C]TATGAAGCAATGTATAATATTCAGTCCCAGGCGCCATCTATCACCGAGAGCAGCACCTTT-3'
Protein context (NP_005179.2, residues 720-740): CDCDQQIDSC[Thr730=]YEAMYNIQSQ

ClinVar aggregate classification (germline): Benign/Likely benign. Review status: criteria provided, multiple submitters, no conflicts (2 of 4 stars). 17 submissions from 17 submitters: Benign (9); Likely benign (4). 4 of the submissions do not count toward it. Last evaluated 2026-08-01.

Conditions:
CBL-related disorder. Also called: CBL MUTATION-ASSOCIATED SYNDROME; CBL SYNDROME; NOONAN SYNDROME-LIKE DISORDER WITHOUT JUVENILE MYELOMONOCYTIC LEUKEMIA. Identifiers: Orphanet 363972, MedGen C3150803, MONDO:0013308, OMIM 613563.
Noonan syndrome and Noonan-related syndrome. Identifiers: Orphanet 98733, MedGen C5681679, MONDO:0020297.
Cardiovascular phenotype. Identifiers: MedGen CN230736.
RASopathy. Also called: Noonan spectrum disorder; rasopathies. Identifiers: Orphanet 536391, MedGen C5555857, MONDO:0021060.
Juvenile myelomonocytic leukemia (JMML). Also called: LEUKEMIA, JUVENILE MYELOMONOCYTIC, SOMATIC. Identifiers: Orphanet 86834, MedGen C0349639, MONDO:0011908, OMIM 607785, HP:0012209.

Allele frequency attached by ClinVar (database versions not stated): 1000 Genomes Project 30x 0.00031; 1000 Genomes Project 0.00040; gnomAD 0.00137; TOPMed 0.00180; ESP Exome Variant Server 0.00231.

Submissions (17):

CeGaT Center for Human Genetics Tuebingen
Classification: Likely benign. Last evaluated: 2026-08-01. Review status: criteria provided, single submitter. Criteria: CeGaT Center For Human Genetics Tuebingen Variant Classification Criteria Version 2. Collection method: clinical testing. Allele origin: germline. Affected: yes. Observed: 21 variant alleles.
Comment: CBL: BP4, BP7

Labcorp Genetics (formerly Invitae), Labcorp
Classification: Benign for RASopathy. Last evaluated: 2026-02-02. Review status: criteria provided, single submitter. Criteria: Invitae Variant Classification Sherloc (09022015). Collection method: clinical testing. Allele origin: germline.

Blueprint Genetics
Classification: Likely benign. Last evaluated: 2024-11-22. Review status: criteria provided, single submitter. Criteria: ACMG Guidelines, 2015. Collection method: clinical testing. Allele origin: germline.

ARUP Laboratories, Molecular Genetics and Genomics, ARUP Laboratories
Classification: Benign. Last evaluated: 2024-01-02. Review status: criteria provided, single submitter. Criteria: ARUP Molecular Germline Variant Investigation Process 2024. Collection method: clinical testing. Allele origin: germline.

KCCC/NGS Laboratory, Kuwait Cancer Control Center
Classification: Benign for Juvenile myelomonocytic leukemia. Last evaluated: 2023-07-07. Review status: criteria provided, single submitter. Criteria: ACMG Guidelines, 2015. Collection method: clinical testing. Allele origin: germline. Affected: yes.

Ambry Genetics
Classification: Likely benign for Cardiovascular phenotype. Last evaluated: 2022-05-17. Review status: criteria provided, single submitter. Criteria: Ambry Variant Classification Scheme 2023. Collection method: clinical testing. Allele origin: germline.

Genome Diagnostics Laboratory, The Hospital for Sick Children
Classification: Benign for Noonan syndrome and Noonan-related syndrome. Last evaluated: 2021-02-25. Review status: criteria provided, single submitter. Criteria: ACMG Guidelines, 2015. Collection method: clinical testing. Allele origin: germline.

Women's Health and Genetics/Laboratory Corporation of America, LabCorp
Classification: Benign. Last evaluated: 2020-05-16. Review status: criteria provided, single submitter. Criteria: LabCorp Variant Classification Summary - May 2015. Collection method: clinical testing. Allele origin: germline.

Illumina Laboratory Services, Illumina
Classification: Benign for CBL-related disorder. Last evaluated: 2018-01-13. Review status: criteria provided, single submitter. Criteria: ICSL Variant Classification Criteria 13 December 2019. Collection method: clinical testing. Allele origin: germline.
Comment: This variant was observed in the ICSL laboratory as part of a predisposition screen in an ostensibly healthy population. It had not been previously curated by ICSL or reported in the Human Gene Mutation Database (HGMD: prior to June 1st, 2018), and was therefore a candidate for classification through an automated scoring system. Utilizing variant allele frequency, disease prevalence and penetrance estimates, and inheritance mode, an automated score was calculated to assess if this variant is too frequent to cause the disease. Based on the score and internal cut-off values, a variant classified as benign is not then subjected to further curation. The score for this variant resulted in a classification of benign for this disease.

Genetic Services Laboratory, University of Chicago
Classification: Benign. Last evaluated: 2016-10-14. Review status: criteria provided, single submitter. Criteria: ACMG Guidelines, 2015. Collection method: clinical testing. Allele origin: germline. Affected: no.

GeneDx
Classification: Benign. Last evaluated: 2013-11-11. Review status: criteria provided, single submitter. Criteria: GeneDx Variant Classification (06012015). Collection method: clinical testing. Allele origin: germline. Affected: yes.
Comment: This variant is considered likely benign or benign based on one or more of the following criteria: it is a conservative change, it occurs at a poorly conserved position in the protein, it is predicted to be benign by multiple in silico algorithms, and/or has population frequency not consistent with disease.

Laboratory for Molecular Medicine, Mass General Brigham Personalized Medicine
Classification: Benign. Last evaluated: 2012-03-19. Review status: criteria provided, single submitter. Criteria: LMM Criteria. Collection method: clinical testing. Allele origin: germline. Observed: 4 variant alleles.
Comment: p.Thr730Thr in Exon 14 of CBL: This variant is not expected to have clinical sig nificance because it does not alter an amino acid residue, is not located within the splice consensus sequence and has been identified in 0.3% (23/7020) of Euro pean American chromosomes from a broad population by the NHLBI Exome Sequencing Project (dbSNP rs143840974).

Breakthrough Genomics
Classification: Likely benign. Review status: criteria provided, single submitter. Criteria: ACMG Guidelines, 2015. Collection method: not provided. Allele origin: germline. Inheritance: Autosomal dominant inheritance. Affected: yes.

PreventionGenetics, part of Exact Sciences
Classification: Benign for CBL-related condition. Last evaluated: 2019-05-17. Review status: no assertion criteria provided. Collection method: clinical testing. Allele origin: germline. Not counted in ClinVar's aggregate classification.
Comment: This variant is classified as benign based on ACMG/AMP sequence variant interpretation guidelines (Richards et al. 2015 PMID: 25741868, with internal and published modifications).

Clinical Genetics DNA and cytogenetics Diagnostics Lab, Erasmus MC, Erasmus Medical Center
Classification: Likely benign. Review status: no assertion criteria provided. Collection method: clinical testing. Allele origin: germline. Affected: yes. Study: VKGL Data-share Consensus. Not counted in ClinVar's aggregate classification.

Genome Diagnostics Laboratory, Amsterdam University Medical Center
Classification: Likely benign. Review status: no assertion criteria provided. Collection method: clinical testing. Allele origin: germline. Affected: yes. Study: VKGL Data-share Consensus. Not counted in ClinVar's aggregate classification.

Genome Diagnostics Laboratory, University Medical Center Utrecht
Classification: Likely benign. Review status: no assertion criteria provided. Collection method: clinical testing. Allele origin: germline. Affected: yes. Study: VKGL Data-share Consensus. Not counted in ClinVar's aggregate classification.

Literature cited by the submitters: PubMed 25224413 (cited by Women's Health and Genetics/Laboratory Corporation of America, LabCorp); PubMed 21828135 (cited by Women's Health and Genetics/Laboratory Corporation of America, LabCorp); PubMed 23690417 (cited by Women's Health and Genetics/Laboratory Corporation of America, LabCorp); PubMed 19387008 (cited by Women's Health and Genetics/Laboratory Corporation of America, LabCorp); PubMed 19901108 (cited by Women's Health and Genetics/Laboratory Corporation of America, LabCorp); PubMed 20951944 (cited by Women's Health and Genetics/Laboratory Corporation of America, LabCorp); PubMed 19620960 (cited by Women's Health and Genetics/Laboratory Corporation of America, LabCorp); PubMed 22733026 (cited by Women's Health and Genetics/Laboratory Corporation of America, LabCorp); PubMed 29296819 (cited by Women's Health and Genetics/Laboratory Corporation of America, LabCorp); PubMed 27069254 (cited by Women's Health and Genetics/Laboratory Corporation of America, LabCorp).